The following is an entry in ClinVar:

ClinVar aggregate classification (germline): Uncertain significance (1 of 4 stars; one submission).

Conditions:
Neurodevelopmental disorder with or without hyperkinetic movements and seizures, autosomal dominant. Also called: Intellectual disability, autosomal dominant 8. Identifiers: MedGen C3280282, MONDO:0013655, OMIM 614254.

Submission:

Labcorp Genetics (formerly Invitae), Labcorp
Classification: Uncertain significance for Neurodevelopmental disorder with or without hyperkinetic movements and seizures, autosomal dominant. Last evaluated: 2025-03-29. Review status: criteria provided, single submitter. Criteria: Invitae Variant Classification Sherloc (09022015). Collection method: clinical testing. Allele origin: germline.
Comment: This sequence change replaces glycine, which is neutral and non-polar, with arginine, which is basic and polar, at codon 508 of the GRIN1 protein (p.Gly508Arg). This variant is not present in population databases (gnomAD no frequency). This variant has not been reported in the literature in individuals affected with GRIN1-related conditions. Invitae Evidence Modeling of protein sequence and biophysical properties (such as structural, functional, and spatial information, amino acid conservation, physicochemical variation, residue mobility, and thermodynamic stability) has been performed for this missense variant. However, the output from this modeling did not meet the statistical confidence thresholds required to predict the impact of this variant on GRIN1 protein function. In summary, the available evidence is currently insufficient to determine the role of this variant in disease. Therefore, it has been classified as a Variant of Uncertain Significance.

NM_007327.4(GRIN1):c.1522G>A (p.Gly508Arg)

Gene: GRIN1 (glutamate ionotropic receptor NMDA type subunit 1; plus strand). Cytogenetic location: 9q34.3.
Variant type: single nucleotide variant.
Coding change: c.1522G>A on transcript NM_007327.4 (MANE Select); coding-DNA position 1522, G replaced by A.
Protein change: p.Gly508Arg; replaces glycine 508 with arginine.
Molecular consequence: missense variant.
Genome position (GRCh38, 1-based): chr9:137,161,978, G>A. VCF-style: chr9-137161978-G-A. GRCh37 (hg19) VCF-style: chr9-140056430-G-A.
Other names: c.1522G>A, p.Gly508Arg (NM_000832.7, NM_021569.4); c.1585G>A, p.Gly529Arg (NM_001185090.2, NM_001185091.2, NM_001437330.1 and 1 more transcripts); short protein forms G508R, G529R.
Identifiers: ClinVar variation 4805796 (VCV004805796.1).